The following is an entry in ClinVar:

ClinVar aggregate classification (germline): Pathogenic (1 of 4 stars; one submission).

Conditions:
Familial thoracic aortic aneurysm and aortic dissection (TAAD). Also called: Thoracic aortic aneurysms and dissections. Identifiers: Orphanet 91387, MedGen C4707243, MONDO:0019625.

Submission:

Labcorp Genetics (formerly Invitae), Labcorp
Classification: Pathogenic for Familial thoracic aortic aneurysm and aortic dissection. Last evaluated: 2023-05-03. Review status: criteria provided, single submitter. Criteria: Invitae Variant Classification Sherloc (09022015). Collection method: clinical testing. Allele origin: germline.
Comment: This missense change has been observed in individual(s) with thoracic aortic aneurysm (Invitae). In at least one individual the variant was observed to be de novo. This variant is not present in population databases (gnomAD no frequency). This sequence change replaces valine, which is neutral and non-polar, with phenylalanine, which is neutral and non-polar, at codon 429 of the TGFBR2 protein (p.Val429Phe). Advanced modeling of protein sequence and biophysical properties (such as structural, functional, and spatial information, amino acid conservation, physicochemical variation, residue mobility, and thermodynamic stability) performed at Invitae indicates that this missense variant is expected to disrupt TGFBR2 protein function. For these reasons, this variant has been classified as Pathogenic.

NM_003242.6(TGFBR2):c.1285G>T (p.Val429Phe)

Gene: TGFBR2 (transforming growth factor beta receptor 2; plus strand). Cytogenetic location: 3p24.1.
Variant type: single nucleotide variant.
Coding change: c.1285G>T on transcript NM_003242.6 (MANE Select); coding-DNA position 1285, G replaced by T.
Protein change: p.Val429Phe; replaces valine 429 with phenylalanine.
Molecular consequence: missense variant. On other transcripts: intron variant (1).
Genome position (GRCh38, 1-based): chr3:30,674,135, G>T. VCF-style: chr3-30674135-G-T. GRCh37 (hg19) VCF-style: chr3-30715627-G-T.
Other names: c.1360G>T, p.Val454Phe (NM_001024847.3); c.1468G>T, p.Val490Phe (NM_001407126.1); c.1393G>T, p.Val465Phe (NM_001407127.1); c.1312G>T, p.Val438Phe (NM_001407128.1); c.1288G>T, p.Val430Phe (NM_001407129.1); c.1285G>T, p.Val429Phe (NM_001407130.1); c.1180G>T, p.Val394Phe (NM_001407132.1, NM_001407133.1, NM_001407134.1 and 2 more transcripts); c.1000G>T, p.Val334Phe (NM_001407137.1); and 2 more; short protein forms V309F, V438F, V454F, V465F, V490F, V394F, V429F, V334F.
Identifiers: ClinVar variation 2850859 (VCV002850859.3), dbSNP rs2125438859, ClinGen allele CA351808928.